The following continues an entry in ClinVar:

NM_000138.5(FBN1):c.364C>T (p.Arg122Cys)

Gene: FBN1. ClinVar aggregate classification (germline): Pathogenic. Pathogenic (13).

Submissions 11 to 15 of 15:

Clinical Genetics and Genomics, Karolinska University Hospital
Classification: Pathogenic. Last evaluated: 2014-11-05. Review status: criteria provided, single submitter. Criteria: ACMG Guidelines, 2015. Collection method: clinical testing. Allele origin: germline. Affected: yes. Observed: 1 variant allele.

Women's Health and Genetics/Laboratory Corporation of America, LabCorp
Classification: Pathogenic for Marfan Syndrome. Last evaluated: 2011-08-18. Review status: criteria provided, single submitter. Criteria: LabCorp Variant Classification Summary - May 2015. Collection method: curation, clinical testing. Allele origin: germline. Inheritance: autosomal dominant. Affected: yes. Observed: 8 variant alleles.
ClinVar note: Converted during submission from pathogenic to Pathogenic.

Clinical Genetics Service, Universitary Hospital 12 de Octubre
Classification: Pathogenic for Marfan syndrome. Review status: criteria provided, single submitter. Criteria: ACMG Guidelines, 2015. Collection method: clinical testing. Allele origin: germline. Affected: yes.

Center for Medical Genetics Ghent, University of Ghent
Classification: Likely pathogenic for Marfan syndrome. Last evaluated: 2017-11-07. Review status: no assertion criteria provided. Collection method: clinical testing. Allele origin: germline. Affected: yes. Not counted in ClinVar's aggregate classification.

OMIM
Classification: Pathogenic for MARFAN SYNDROME, ATYPICAL. Last evaluated: 1994-08-01. Review status: no assertion criteria provided. Collection method: literature only. Allele origin: germline. Not counted in ClinVar's aggregate classification.

Literature cited by the submitters: PubMed 8040326 (cited by 5 submitters); PubMed 9452085 (cited by Labcorp Genetics (formerly Invitae), Labcorp and Ambry Genetics); PubMed 11700157 (cited by 3 submitters); PubMed 12446365 (cited by 3 submitters); PubMed 17679947 (cited by 3 submitters); PubMed 21895641 (cited by Labcorp Genetics (formerly Invitae), Labcorp and 3billion); PubMed 21932315 (cited by 3 submitters); PubMed 22772377 (cited by Labcorp Genetics (formerly Invitae), Labcorp and 3billion); PubMed 25053872 (cited by Labcorp Genetics (formerly Invitae), Labcorp and Ambry Genetics); PubMed 15161917 (cited by Ambry Genetics); PubMed 19089573 (cited by Ambry Genetics and Women's Health and Genetics/Laboratory Corporation of America, LabCorp); PubMed 19839986 (cited by Ambry Genetics); PubMed 19328768 (cited by Women's Health and Genetics/Laboratory Corporation of America, LabCorp); PubMed 15054843 (cited by Women's Health and Genetics/Laboratory Corporation of America, LabCorp); PubMed 18615205 (cited by Women's Health and Genetics/Laboratory Corporation of America, LabCorp); PubMed 18087243 (cited by Women's Health and Genetics/Laboratory Corporation of America, LabCorp); PubMed 17657824 (cited by Women's Health and Genetics/Laboratory Corporation of America, LabCorp); PubMed 12203987 (cited by Women's Health and Genetics/Laboratory Corporation of America, LabCorp); PubMed 12938084 (cited by Women's Health and Genetics/Laboratory Corporation of America, LabCorp); PubMed 11826022 (cited by Women's Health and Genetics/Laboratory Corporation of America, LabCorp); PubMed 9399842 (cited by Women's Health and Genetics/Laboratory Corporation of America, LabCorp); PubMed 10633129 (cited by Women's Health and Genetics/Laboratory Corporation of America, LabCorp); PubMed 9401003 (cited by Women's Health and Genetics/Laboratory Corporation of America, LabCorp); PubMed 11143906 (cited by Women's Health and Genetics/Laboratory Corporation of America, LabCorp); PubMed 15241795 (cited by Women's Health and Genetics/Laboratory Corporation of America, LabCorp); PubMed 16971892 (cited by Women's Health and Genetics/Laboratory Corporation of America, LabCorp); PubMed 8541880 (cited by Women's Health and Genetics/Laboratory Corporation of America, LabCorp); PubMed 8791520 (cited by Women's Health and Genetics/Laboratory Corporation of America, LabCorp); Stevenson, R. E., Schroer, R. J., Taylor, H. A., Compton, J. D., Livingston, R. E., III Dislocated lens, dolichostenomelia, and joint stiffness. Proc. Greenwood Genet. Center 1: 16-22, 1982. (cited by OMIM).